The following is an entry in ClinVar:

ClinVar aggregate classification (germline): Uncertain significance (1 of 4 stars; one submission).

gnomAD v4.1: 1 of 1,613,538 alleles (0.000062%); highest among the groups gnomAD compares: African/African-American, 0.0013%; no homozygotes.

Submission:

Ambry Genetics
Classification: Uncertain significance. Last evaluated: 2025-05-25. Review status: criteria provided, single submitter. Criteria: Ambry Variant Classification Scheme 2023. Collection method: clinical testing. Allele origin: germline.
Comment: The p.G29V variant (also known as c.86G>T), located in coding exon 1 of the RNF43 gene, results from a G to T substitution at nucleotide position 86. The glycine at codon 29 is replaced by valine, an amino acid with dissimilar properties. This amino acid position is highly conserved in available vertebrate species. In addition, the in silico prediction for this alteration is inconclusive. The evidence for this gene-disease relationship is limited; therefore, the clinical significance of this alteration is unclear.

NM_017763.6(RNF43):c.86G>T (p.Gly29Val)

Gene: RNF43 (ring finger protein 43; minus strand). Cytogenetic location: 17q22.
Variant type: single nucleotide variant.
Coding change: c.86G>T on transcript NM_017763.6 (MANE Select); coding-DNA position 86, G replaced by T.
Protein change: p.Gly29Val; replaces glycine 29 with valine.
Molecular consequence: missense variant.
Genome position (GRCh38, 1-based): chr17:58,415,492, C>A on the plus strand (G>T on the coding strand, the complement: RNF43 is on the minus strand). VCF-style: chr17-58415492-C-A. GRCh37 (hg19) VCF-style: chr17-56492853-C-A.
Other names: c.86G>T, p.Gly29Val (NM_001305544.3); short protein forms G29V.
Identifiers: ClinVar variation 3946907 (VCV003946907.1).
Genomic context (GRCh38, chr17:58,415,492, plus strand): 5'-CTGATAATAGCTTTCTGTTCTGCTGATCTTTCAGACTCCACCGCTGCTGCCAGTACCAGT[C>A]CTGTGCGTCCAAAGCCTGCCTGCAGGGTAGCCATCAGCAGCCAGGGCCAGAGGGCAGCCA-3'
Protein context (NP_060233.3, residues 19-39): ATLQAGFGRT[Gly29Val]LVLAAAVESE